The following is an entry in ClinVar:

NM_182961.4(SYNE1):c.19402C>G (p.Leu6468Val)

Gene: SYNE1 (spectrin repeat containing nuclear envelope protein 1; minus strand). Cytogenetic location: 6q25.2.
Variant type: single nucleotide variant.
Coding change: c.19402C>G on transcript NM_182961.4 (MANE Select); coding-DNA position 19402, C replaced by G.
Protein change: p.Leu6468Val; replaces leucine 6468 with valine.
Molecular consequence: missense variant.
Genome position (GRCh38, 1-based): chr6:152,254,948, G>C on the plus strand (C>G on the coding strand, the complement: SYNE1 is on the minus strand). VCF-style: chr6-152254948-G-C. GRCh37 (hg19) VCF-style: chr6-152576083-G-C.
Other names: c.19189C>G, p.Leu6397Val (NM_033071.5); short protein forms L6397V, L6468V.
Identifiers: ClinVar variation 3748056 (VCV003748056.2).
Genomic context (GRCh38, chr6:152,254,948, plus strand): 5'-TTAGTATTTGCTGAAGTCTTTCTTTCATCTGATGACATCGTTGATTCACTACTGAGTCTA[G>C]CAAGGATAACCTGCCCAAAAGACAACCCAAAGTATCTTCAATAACATCTCGATTATCACC-3'
Protein context (NP_892006.3, residues 6458-6478): LGCLLGRLSL[Leu6468Val]DSVVNQRCHQ

ClinVar aggregate classification (germline): Uncertain significance (1 of 4 stars; one submission).

Conditions:
Emery-Dreifuss muscular dystrophy 4, autosomal dominant (EDMD4). Also called: EMERY-DREIFUSS MUSCULAR DYSTROPHY 4 WITH VARIABLE FEATURES. Identifiers: Orphanet 261, MedGen C2751807, MONDO:0013071, OMIM 612998.
Autosomal recessive ataxia, Beauce type. Also called: Spinocerebellar ataxia, autosomal recessive 8; ATAXIA, RECESSIVE, OF BEAUCE; SYNE1-Related Autosomal Recessive Cerebellar Ataxia; SYNE1 Deficiency. Identifiers: Orphanet 88644, MedGen C1853116, MONDO:0012549, OMIM 610743.

gnomAD v4.1: 2 of 1,613,924 alleles (0.00012%); highest among the groups gnomAD compares: South Asian, 0.0011%; no homozygotes.

Submission:

Labcorp Genetics (formerly Invitae), Labcorp
Classification: Uncertain significance for Emery-Dreifuss muscular dystrophy 4, autosomal dominant; Autosomal recessive ataxia, Beauce type. Last evaluated: 2024-02-28. Review status: criteria provided, single submitter. Criteria: Invitae Variant Classification Sherloc (09022015). Collection method: clinical testing. Allele origin: germline.
Comment: This sequence change replaces leucine, which is neutral and non-polar, with valine, which is neutral and non-polar, at codon 6397 of the SYNE1 protein (p.Leu6397Val). This variant is present in population databases (rs761157799, gnomAD 0.0009%). This variant has not been reported in the literature in individuals affected with SYNE1-related conditions. An algorithm developed to predict the effect of missense changes on protein structure and function (PolyPhen-2) suggests that this variant is likely to be disruptive. In summary, the available evidence is currently insufficient to determine the role of this variant in disease. Therefore, it has been classified as a Variant of Uncertain Significance.